The following is an entry in ClinVar:

ClinVar aggregate classification (germline): Uncertain significance (1 of 4 stars; one submission).

Conditions:
Retinitis pigmentosa 1 (RP1). Identifiers: Orphanet 791, MedGen C0220701, MONDO:0008377, OMIM 180100.

gnomAD v4.1: 2 of 1,614,040 alleles (0.00012%); highest among the groups gnomAD compares: Admixed American, 0.0017%; no homozygotes.

Submission:

Juno Genomics, Hangzhou Juno Genomics, Inc
Classification: Uncertain significance for Retinitis pigmentosa 1. Review status: criteria provided, single submitter. Criteria: ACMG Guidelines, 2015. Collection method: clinical testing. Allele origin: germline.
Comment: Absent from controls (or at extremely low frequency if recessive) in Genome Aggregation Database.

NM_006269.2(RP1):c.4940T>C (p.Phe1647Ser)

Genes: RP1 (RP1 axonemal microtubule associated; plus strand), LOC126860392 (CDK7 strongly-dependent group 2 enhancer GRCh37_chr8:55541319-55542518; plus strand). Cytogenetic location: 8q12.1.
Variant type: single nucleotide variant.
Coding change: c.4940T>C on transcript NM_006269.2 (MANE Select); coding-DNA position 4940, T replaced by C.
Protein change: p.Phe1647Ser; replaces phenylalanine 1647 with serine.
Molecular consequence: missense variant. On other transcripts: intron variant (1).
Genome position (GRCh38, 1-based): chr8:54,628,822, T>C. VCF-style: chr8-54628822-T-C. GRCh37 (hg19) VCF-style: chr8-55541382-T-C.
Other names: c.787+6534T>C (NM_001375654.1); short protein forms F1647S.
Identifiers: ClinVar variation 5019841 (VCV005019841.2).